The following is an entry in ClinVar:

ClinVar aggregate classification (germline): Uncertain significance (1 of 4 stars; one submission).

Conditions:
Gastrointestinal stromal tumor. Also called: Gastrointestinal stromal tumor, somatic; Gastrointestinal stroma tumor. Identifiers: Orphanet 44890, MedGen C0238198, MeSH D046152, MONDO:0011719, OMIM 606764, HP:0100723.

Submission:

Labcorp Genetics (formerly Invitae), Labcorp
Classification: Uncertain significance for Gastrointestinal stromal tumor. Last evaluated: 2025-07-07. Review status: criteria provided, single submitter. Criteria: Invitae Variant Classification Sherloc (09022015). Collection method: clinical testing. Allele origin: germline.
Comment: This sequence change replaces proline, which is neutral and non-polar, with leucine, which is neutral and non-polar, at codon 36 of the KIT protein (p.Pro36Leu). This variant is not present in population databases (gnomAD no frequency). This variant has not been reported in the literature in individuals affected with KIT-related conditions. ClinVar contains an entry for this variant (Variation ID: 2885572). An algorithm developed to predict the effect of missense changes on protein structure and function outputs the following: PolyPhen-2: "Benign". The leucine amino acid residue is found in multiple mammalian species, which suggests that this missense change does not adversely affect protein function. In summary, the available evidence is currently insufficient to determine the role of this variant in disease. Therefore, it has been classified as a Variant of Uncertain Significance.

NM_000222.3(KIT):c.107C>T (p.Pro36Leu)

Gene: KIT (KIT proto-oncogene, receptor tyrosine kinase; plus strand). Cytogenetic location: 4q12.
Variant type: single nucleotide variant.
Coding change: c.107C>T on transcript NM_000222.3 (MANE Select); coding-DNA position 107, C replaced by T.
Protein change: p.Pro36Leu; replaces proline 36 with leucine.
Molecular consequence: missense variant.
Genome position (GRCh38, 1-based): chr4:54,695,551, C>T. VCF-style: chr4-54695551-C-T. GRCh37 (hg19) VCF-style: chr4-55561717-C-T.
Other names: c.107C>T, p.Pro36Leu (NM_001093772.2, NM_001385284.1, NM_001385285.1 and 4 more transcripts); short protein forms P36L.
Identifiers: ClinVar variation 2885572 (VCV002885572.3), dbSNP rs2109660621, ClinGen allele CA356896857.